The following is an entry in ClinVar:

ClinVar aggregate classification (germline): Likely pathogenic (1 of 4 stars; one submission).

Conditions:
Early-infantile DEE. Also called: Early infantile epileptic encephalopathy; Ohtahara syndrome; Early infantile epileptic encephalopathy with suppression bursts. Identifiers: Orphanet 1934, MedGen C0393706, MONDO:0800491.

Submission:

Labcorp Genetics (formerly Invitae), Labcorp
Classification: Likely pathogenic for Early-infantile DEE. Last evaluated: 2022-11-22. Review status: criteria provided, single submitter. Criteria: Invitae Variant Classification Sherloc (09022015). Collection method: clinical testing. Allele origin: germline.
Comment: In summary, the currently available evidence indicates that the variant is pathogenic, but additional data are needed to prove that conclusively. Therefore, this variant has been classified as Likely Pathogenic. This variant disrupts the p.Arg547 amino acid residue in KCNQ2. Other variant(s) that disrupt this residue have been determined to be pathogenic (PMID: 23360469, 29655203; Invitae). This suggests that this residue is clinically significant, and that variants that disrupt this residue are likely to be disease-causing. Algorithms developed to predict the effect of missense changes on protein structure and function are either unavailable or do not agree on the potential impact of this missense change (SIFT: "Deleterious"; PolyPhen-2: "Benign"; Align-GVGD: "Class C0"). This variant has not been reported in the literature in individuals affected with KCNQ2-related conditions. This variant is not present in population databases (gnomAD no frequency). This sequence change replaces arginine, which is basic and polar, with leucine, which is neutral and non-polar, at codon 547 of the KCNQ2 protein (p.Arg547Leu).

Literature cited by the submitters: PubMed 23360469; PubMed 29655203.

NM_172107.4(KCNQ2):c.1640G>T (p.Arg547Leu)

Gene: KCNQ2 (potassium voltage-gated channel subfamily Q member 2; minus strand). Cytogenetic location: 20q13.33.
Variant type: single nucleotide variant.
Coding change: c.1640G>T on transcript NM_172107.4 (MANE Select); coding-DNA position 1640, G replaced by T.
Protein change: p.Arg547Leu; replaces arginine 547 with leucine.
Molecular consequence: missense variant.
Genome position (GRCh38, 1-based): chr20:63,413,573, C>A on the plus strand (G>T on the coding strand, the complement: KCNQ2 is on the minus strand). VCF-style: chr20-63413573-C-A. GRCh37 (hg19) VCF-style: chr20-62044926-C-A.
Other names: c.1586G>T, p.Arg529Leu (NM_001382235.1, NM_172106.3); c.1556G>T, p.Arg519Leu (NM_004518.6); c.1547G>T, p.Arg516Leu (NM_172108.5); short protein forms R519L, R547L, R516L, R529L.
Identifiers: ClinVar variation 2005878 (VCV002005878.4), dbSNP rs760984494, ClinGen allele CA409644050.